The following is an entry in ClinVar:

ClinVar aggregate classification (germline): Uncertain significance. Review status: criteria provided, multiple submitters, no conflicts (2 of 4 stars). 3 submissions from 3 submitters: Uncertain significance (3). Last evaluated 2025-05-14.

Conditions:
Emery-Dreifuss muscular dystrophy 5, autosomal dominant (EDMD5). Also called: EMERY-DREIFUSS MUSCULAR DYSTROPHY 5. Identifiers: Orphanet 261, MedGen C2751805, MONDO:0013072, OMIM 612999.

Allele frequency attached by ClinVar (database versions not stated): gnomAD exomes 0.00001; ExAC 0.00002; gnomAD 0.00003; TOPMed 0.00003.
gnomAD v4.1: 27 of 1,613,320 alleles (0.0017%); highest among the groups gnomAD compares: East Asian, 0.025%; no homozygotes.

Submissions (3):

Ambry Genetics
Classification: Uncertain significance. Last evaluated: 2025-05-14. Review status: criteria provided, single submitter. Criteria: Ambry Variant Classification Scheme 2023. Collection method: clinical testing. Allele origin: germline.

Labcorp Genetics (formerly Invitae), Labcorp
Classification: Uncertain significance for Emery-Dreifuss muscular dystrophy 5, autosomal dominant. Last evaluated: 2024-04-11. Review status: criteria provided, single submitter. Criteria: Invitae Variant Classification Sherloc (09022015). Collection method: clinical testing. Allele origin: germline.
Comment: This sequence change replaces proline, which is neutral and non-polar, with leucine, which is neutral and non-polar, at codon 2110 of the SYNE2 protein (p.Pro2110Leu). This variant is present in population databases (rs770940744, gnomAD 0.006%). This variant has not been reported in the literature in individuals affected with SYNE2-related conditions. ClinVar contains an entry for this variant (Variation ID: 882653). Algorithms developed to predict the effect of missense changes on protein structure and function output the following: SIFT: "Not Available"; PolyPhen-2: "Benign"; Align-GVGD: "Not Available". The leucine amino acid residue is found in multiple mammalian species, which suggests that this missense change does not adversely affect protein function. In summary, the available evidence is currently insufficient to determine the role of this variant in disease. Therefore, it has been classified as a Variant of Uncertain Significance.

Illumina Laboratory Services, Illumina
Classification: Uncertain significance for Emery-Dreifuss muscular dystrophy 5, autosomal dominant. Last evaluated: 2018-01-12. Review status: criteria provided, single submitter. Criteria: ICSL Variant Classification Criteria 13 December 2019. Collection method: clinical testing. Allele origin: germline.

NM_182914.3(SYNE2):c.6329C>T (p.Pro2110Leu)

Gene: SYNE2 (spectrin repeat containing nuclear envelope protein 2; plus strand). Cytogenetic location: 14q23.2.
Variant type: single nucleotide variant.
Coding change: c.6329C>T on transcript NM_182914.3 (MANE Select); coding-DNA position 6329, C replaced by T.
Protein change: p.Pro2110Leu; replaces proline 2110 with leucine.
Molecular consequence: missense variant.
Genome position (GRCh38, 1-based): chr14:64,026,655, C>T. VCF-style: chr14-64026655-C-T. GRCh37 (hg19) VCF-style: chr14-64493373-C-T.
Other names: c.6329C>T, p.Pro2110Leu (NM_015180.6); short protein forms P2110L.
Identifiers: ClinVar variation 882653 (VCV000882653.13), dbSNP rs770940744, ClinGen allele CA7220676.